The following is an entry in ClinVar:

ClinVar aggregate classification (germline): Uncertain significance. Review status: criteria provided, multiple submitters, no conflicts (2 of 4 stars). 4 submissions from 4 submitters: Uncertain significance (4). Last evaluated 2025-12-03.

Conditions:
Ataxia-telangiectasia syndrome (AT). Also called: Ataxia telangiectasia (A-T); Ataxia-telangiectasia, complementation group D; AT, COMPLEMENTATION GROUP C; ATAXIA-TELANGIECTASIA, COMPLEMENTATION GROUP A; ATAXIA-TELANGIECTASIA, FRESNO VARIANT; Ataxia-telangiectasia, complementation group E. Identifiers: Orphanet 100, MedGen C0004135, MONDO:0008840, OMIM 208900.
ATM-related cancer predisposition. Also called: ATM-related cancer susceptibility. Identifiers: MedGen CN377759, MONDO:0700270.

Submissions (4):

Dasa
Classification: Uncertain significance for ATM-related cancer predisposition. Last evaluated: 2025-12-03. Review status: criteria provided, single submitter. Criteria: DASA Assertion Criteria. Collection method: clinical testing. Allele origin: germline.
Comment: NM_000051.4(ATM):c.2542G>C (p.Glu848Gln) is a missense variant that results in the substitution of glutamic acid with glutamine. This variant is absent from population databases. Computational prediction algorithms are consistent with a benign effect. The currently available literature and clinical evidence are not sufficient to establish a definitive association between this variant and the reported condition. Therefore, this variant is classified as a variant of uncertain significance.

Women's Health and Genetics/Laboratory Corporation of America, LabCorp
Classification: Uncertain significance. Last evaluated: 2024-11-25. Review status: criteria provided, single submitter. Criteria: LabCorp Variant Classification Summary - May 2015. Collection method: clinical testing. Allele origin: germline.
Comment: Variant summary: ATM c.2542G>C (p.Glu848Gln) results in a conservative amino acid change in the encoded protein sequence. Five of five in-silico tools predict a benign effect of the variant on protein function. The variant was absent in 251412 control chromosomes. The available data on variant occurrences in the general population are insufficient to allow any conclusion about variant significance. To our knowledge, no occurrence of c.2542G>C in individuals affected with Ataxia-Telangiectasia and no experimental evidence demonstrating its impact on protein function have been reported. ClinVar contains an entry for this variant (Variation ID: 1686474). Based on the evidence outlined above, the variant was classified as uncertain significance.

Labcorp Genetics (formerly Invitae), Labcorp
Classification: Uncertain significance for Ataxia-telangiectasia syndrome. Last evaluated: 2023-07-31. Review status: criteria provided, single submitter. Criteria: Invitae Variant Classification Sherloc (09022015). Collection method: clinical testing. Allele origin: germline.
Comment: This sequence change replaces glutamic acid, which is acidic and polar, with glutamine, which is neutral and polar, at codon 848 of the ATM protein (p.Glu848Gln). This variant is not present in population databases (gnomAD no frequency). This variant has not been reported in the literature in individuals affected with ATM-related conditions. ClinVar contains an entry for this variant (Variation ID: 1686474). An algorithm developed to predict the effect of missense changes on protein structure and function (PolyPhen-2) suggests that this variant is likely to be tolerated. In summary, the available evidence is currently insufficient to determine the role of this variant in disease. Therefore, it has been classified as a Variant of Uncertain Significance.

Mendelics
Classification: Uncertain significance. Last evaluated: 2022-05-04. Review status: criteria provided, single submitter. Criteria: Mendelics Assertion Criteria 2019. Collection method: clinical testing. Allele origin: germline.

NM_000051.4(ATM):c.2542G>C (p.Glu848Gln)

Gene: ATM (ATM serine/threonine kinase; plus strand). Cytogenetic location: 11q22.3.
Variant type: single nucleotide variant.
Coding change: c.2542G>C on transcript NM_000051.4 (MANE Select); coding-DNA position 2542, G replaced by C.
Protein change: p.Glu848Gln; replaces glutamic acid 848 with glutamine.
Molecular consequence: missense variant.
Genome position (GRCh38, 1-based): chr11:108,267,246, G>C. VCF-style: chr11-108267246-G-C. GRCh37 (hg19) VCF-style: chr11-108137973-G-C.
Other names: c.2542G>C, p.Glu848Gln (NM_001351834.2); short protein forms E848Q.
Identifiers: ClinVar variation 1686474 (VCV001686474.8), dbSNP rs879254046, ClinGen allele CA382543653.
Genomic context (GRCh38, chr11:108,267,246, plus strand): 5'-AAGCCATTTGACCGTGGAGAAGTAGAATCAATGGAAGATGATACTAATGGAAATCTAATG[G>C]AGGTGGAGGATCAGTCATCCATGAATCTATTTAACGATTACCCTGATAGTAGTGTTAGTG-3'
Protein context (NP_000042.3, residues 838-858): MEDDTNGNLM[Glu848Gln]VEDQSSMNLF